The following is an entry in ClinVar:

NM_139276.3(STAT3):c.1970A>G (p.Tyr657Cys)

Gene: STAT3 (signal transducer and activator of transcription 3; minus strand). Cytogenetic location: 17q21.2.
Variant type: single nucleotide variant.
Coding change: c.1970A>G on transcript NM_139276.3 (MANE Select); coding-DNA position 1970, A replaced by G.
Protein change: p.Tyr657Cys; replaces tyrosine 657 with cysteine.
Molecular consequence: missense variant.
Genome position (GRCh38, 1-based): chr17:42,322,413, T>C on the plus strand (A>G on the coding strand, the complement: STAT3 is on the minus strand). VCF-style: chr17-42322413-T-C. GRCh37 (hg19) VCF-style: chr17-40474431-T-C.
Other names: c.1970A>G, p.Tyr657Cys (NM_001369512.1, NM_001369513.1, NM_001369514.1 and 9 more transcripts); c.1886A>G, p.Tyr629Cys (NM_001384984.1); c.1892A>G, p.Tyr631Cys (NM_001384985.1); c.1985A>G, p.Tyr662Cys (NM_001384986.1, NM_001384990.1); c.1949A>G, p.Tyr650Cys (NM_001384987.1); c.1874A>G, p.Tyr625Cys (NM_001384989.1); c.1943A>G, p.Tyr648Cys (NM_001384991.1); c.1910A>G, p.Tyr637Cys (NM_001384992.1); short protein forms Y657C, Y625C, Y629C, Y631C, Y637C, Y648C, Y650C, Y662C.
Identifiers: ClinVar variation 36790 (VCV000036790.18), dbSNP rs193922721, ClinGen allele CA260546.

ClinVar aggregate classification (germline): Pathogenic/Likely pathogenic. Review status: criteria provided, multiple submitters, no conflicts (2 of 4 stars). 6 submissions from 6 submitters: Pathogenic (5); Likely pathogenic (1). Last evaluated 2026-08-31.

Conditions:
Hyper-IgE recurrent infection syndrome 1, autosomal dominant. Also called: HYPER-IgE SYNDROME 1, AUTOSOMAL DOMINANT, WITH RECURRENT INFECTIONS; Job's Syndrome; STAT3 Hyper IgE Syndrome; JOB SYNDROME; Hyper-IgE recurrent infection syndrome 1. Identifiers: Orphanet 2314, MedGen C2936739, MONDO:0007818, OMIM 147060.
STAT3 gain of function. Identifiers: MedGen C4288261.
STAT3-related disorder. Also called: STAT3-related condition.

Submissions (6):

Institute of Human Genetics, University of Leipzig Medical Center
Classification: Pathogenic for Hyper-IgE recurrent infection syndrome 1, autosomal dominant. Last evaluated: 2026-08-31. Review status: criteria provided, single submitter. Criteria: ACMG Guidelines, 2015. Collection method: clinical testing. Allele origin: de novo. Inheritance: Autosomal dominant inheritance. Affected: yes.
Comment: Criteria applied: PM5_STR,PS4_MOD,PM2,PP2,PP3,PS2_MOD

Mayo Clinic Laboratories, Mayo Clinic
Classification: Pathogenic. Last evaluated: 2025-09-24. Review status: criteria provided, single submitter. Criteria: ACMG Guidelines, 2015. Collection method: clinical testing. Allele origin: germline. Observed: 1 variant allele.
Comment: PP1, PP3_strong, PM1, PM2_supporting, PS4

Labcorp Genetics (formerly Invitae), Labcorp
Classification: Pathogenic for STAT3 gain of function; Hyper-IgE recurrent infection syndrome 1, autosomal dominant. Last evaluated: 2025-03-30. Review status: criteria provided, single submitter. Criteria: Invitae Variant Classification Sherloc (09022015). Collection method: clinical testing. Allele origin: germline.
Comment: This sequence change replaces tyrosine, which is neutral and polar, with cysteine, which is neutral and slightly polar, at codon 657 of the STAT3 protein (p.Tyr657Cys). This variant is not present in population databases (gnomAD no frequency). This missense change has been observed in individuals with hyper-IgE syndrome (HIES) (PMID: 19577286, 22751495, 23584561, 30617622). ClinVar contains an entry for this variant (Variation ID: 36790). Invitae Evidence Modeling of protein sequence and biophysical properties (such as structural, functional, and spatial information, amino acid conservation, physicochemical variation, residue mobility, and thermodynamic stability) indicates that this missense variant is expected to disrupt STAT3 protein function with a positive predictive value of 80%. Experimental studies have shown that this missense change affects STAT3 function (PMID: 19577286). For these reasons, this variant has been classified as Pathogenic.

Blueprint Genetics
Classification: Pathogenic for STAT3-related disorders. Last evaluated: 2020-07-15. Review status: criteria provided, single submitter. Criteria: ACMG Guidelines, 2015. Collection method: clinical testing. Allele origin: germline. Affected: yes. Observed: 1 variant allele.

Women's Health and Genetics/Laboratory Corporation of America, LabCorp
Classification: Likely pathogenic for Hyper IgE Syndrome. Last evaluated: 2011-08-18. Review status: criteria provided, single submitter. Criteria: LabCorp Variant Classification Summary - May 2015. Collection method: curation, clinical testing. Allele origin: germline. Inheritance: autosomal dominant. Affected: yes. Observed: 2 variant alleles.
ClinVar note: Converted during submission from likely pathogenic to Likely pathogenic.

Kasturba Medical College, Manipal, Kasturba Medical College, Manipal, Manipal Academy of Higher Education, Manipal, India
Classification: Pathogenic for Hyper-IgE recurrent infection syndrome 1, autosomal dominant. Review status: criteria provided, single submitter. Criteria: ACMG Guidelines, 2015. Collection method: clinical testing. Allele origin: de novo. Affected: yes.

Literature cited by the submitters: PubMed 17881745 (cited by Mayo Clinic Laboratories, Mayo Clinic and Women's Health and Genetics/Laboratory Corporation of America, LabCorp); PubMed 21288777 (cited by Mayo Clinic Laboratories, Mayo Clinic); PubMed 22751495 (cited by Mayo Clinic Laboratories, Mayo Clinic and Labcorp Genetics (formerly Invitae), Labcorp); PubMed 27488252 (cited by Mayo Clinic Laboratories, Mayo Clinic); PubMed 27799162 (cited by Mayo Clinic Laboratories, Mayo Clinic); PubMed 29162862 (cited by Mayo Clinic Laboratories, Mayo Clinic); PubMed 30617622 (cited by Mayo Clinic Laboratories, Mayo Clinic and Labcorp Genetics (formerly Invitae), Labcorp); PubMed 31717342 (cited by Mayo Clinic Laboratories, Mayo Clinic); PubMed 33365035 (cited by Mayo Clinic Laboratories, Mayo Clinic); PubMed 33463136 (cited by Mayo Clinic Laboratories, Mayo Clinic); PubMed 33717144 (cited by Mayo Clinic Laboratories, Mayo Clinic); PubMed 40246075 (cited by Mayo Clinic Laboratories, Mayo Clinic); PubMed 19577286 (cited by Labcorp Genetics (formerly Invitae), Labcorp and Women's Health and Genetics/Laboratory Corporation of America, LabCorp); PubMed 23584561 (cited by Labcorp Genetics (formerly Invitae), Labcorp); PubMed 18706697 (cited by Women's Health and Genetics/Laboratory Corporation of America, LabCorp); PubMed 20159255 (cited by Women's Health and Genetics/Laboratory Corporation of America, LabCorp); PubMed 18978467 (cited by Women's Health and Genetics/Laboratory Corporation of America, LabCorp); PubMed 21107604 (cited by Women's Health and Genetics/Laboratory Corporation of America, LabCorp).